The following is an entry in ClinVar:

ClinVar aggregate classification (germline): Uncertain significance. Review status: criteria provided, multiple submitters, no conflicts (2 of 4 stars). 3 submissions from 3 submitters: Uncertain significance (3). Last evaluated 2023-10-11.

Conditions:
Familial cancer of breast. Also called: Hereditary breast cancer; hereditary breast carcinoma; BREAST CANCER, FAMILIAL. Identifiers: Orphanet 227535, MedGen C0346153, MONDO:0016419, OMIM 114480. Disease mechanism: loss of function.
Hereditary cancer-predisposing syndrome. Also called: Hereditary neoplastic syndrome; Neoplastic Syndromes, Hereditary; Tumor predisposition; Hereditary Cancer Syndrome. Identifiers: Orphanet 140162, MedGen C0027672, MeSH D009386, MONDO:0015356.
Ataxia-telangiectasia syndrome (AT). Also called: Ataxia telangiectasia (A-T); LOUIS-BAR SYNDROME; Cerebello-oculocutaneous telangiectasia; Immunodeficiency with ataxia telangiectasia; Ataxia-telangiectasia, complementation group D; AT, COMPLEMENTATION GROUP C. Identifiers: Orphanet 100, MedGen C0004135, MONDO:0008840, OMIM 208900.

Submissions (3):

Labcorp Genetics (formerly Invitae), Labcorp
Classification: Uncertain significance for Ataxia-telangiectasia syndrome. Last evaluated: 2023-10-11. Review status: criteria provided, single submitter. Criteria: Invitae Variant Classification Sherloc (09022015). Collection method: clinical testing. Allele origin: germline.
Comment: This sequence change replaces aspartic acid, which is acidic and polar, with tyrosine, which is neutral and polar, at codon 1935 of the ATM protein (p.Asp1935Tyr). This variant is not present in population databases (gnomAD no frequency). This variant has not been reported in the literature in individuals affected with ATM-related conditions. ClinVar contains an entry for this variant (Variation ID: 1722067). An algorithm developed to predict the effect of missense changes on protein structure and function (PolyPhen-2) suggests that this variant is likely to be disruptive. RNA analysis performed to evaluate the impact of this missense change on mRNA splicing indicates it does not significantly alter splicing (Invitae). In summary, the available evidence is currently insufficient to determine the role of this variant in disease. Therefore, it has been classified as a Variant of Uncertain Significance.

Ambry Genetics
Classification: Uncertain significance for Hereditary cancer-predisposing syndrome. Last evaluated: 2021-07-02. Review status: criteria provided, single submitter. Criteria: Ambry Variant Classification Scheme 2023. Collection method: clinical testing. Allele origin: germline.
Comment: The p.D1935Y variant (also known as c.5803G>T), located in coding exon 38 of the ATM gene, results from a G to T substitution at nucleotide position 5803. The aspartic acid at codon 1935 is replaced by tyrosine, an amino acid with highly dissimilar properties. This amino acid position is conserved. In addition, the in silico prediction for this alteration is inconclusive. Since supporting evidence is limited at this time, the clinical significance of this alteration remains unclear.

Department of Pathology and Laboratory Medicine, Sinai Health System
Classification: Uncertain significance for Familial cancer of breast. Last evaluated: 2020-10-21. Review status: criteria provided, single submitter. Criteria: ACMG Guidelines, 2015. Collection method: clinical testing. Allele origin: germline. Affected: yes.

NM_000051.4(ATM):c.5803G>T (p.Asp1935Tyr)

Genes: C11orf65 (chromosome 11 open reading frame 65; minus strand), ATM (ATM serine/threonine kinase; plus strand). Cytogenetic location: 11q22.3.
Variant type: single nucleotide variant.
Coding change: c.5803G>T on transcript NM_000051.4 (MANE Select); coding-DNA position 5803, G replaced by T.
Protein change: p.Asp1935Tyr; replaces aspartic acid 1935 with tyrosine.
Molecular consequence: missense variant. On other transcripts: intron variant (2).
Genome position (GRCh38, 1-based): chr11:108,310,200, G>T. VCF-style: chr11-108310200-G-T. GRCh37 (hg19) VCF-style: chr11-108180927-G-T.
Other names: c.5803G>T, p.Asp1935Tyr (NM_001351834.2); c.641-1129C>A (NM_001330368.2); c.*39-1129C>A (NM_001351110.2); short protein forms D1935Y.
Identifiers: ClinVar variation 1722067 (VCV001722067.9), dbSNP rs1299051422, ClinGen allele CA382548359.